The following is an entry in ClinVar:

ClinVar aggregate classification (germline): Likely benign (1 of 4 stars; one submission).

Submission:

CeGaT Center for Human Genetics Tuebingen
Classification: Likely benign. Last evaluated: 2026-06-01. Review status: criteria provided, single submitter. Criteria: CeGaT Center For Human Genetics Tuebingen Variant Classification Criteria Version 2. Collection method: clinical testing. Allele origin: germline. Affected: yes. Observed: 2 variant alleles.
Comment: TRIM28: BP4, BP7

NM_005762.3(TRIM28):c.2082C>G (p.Ala694=)

Gene: TRIM28 (tripartite motif containing 28; plus strand). Cytogenetic location: 19q13.43.
Variant type: single nucleotide variant.
Coding change: c.2082C>G on transcript NM_005762.3 (MANE Select); coding-DNA position 2082, C replaced by G.
Protein change: p.Ala694=; no amino-acid change (alanine 694 retained).
Molecular consequence: synonymous variant.
Genome position (GRCh38, 1-based): chr19:58,549,836, C>G. VCF-style: chr19-58549836-C-G. GRCh37 (hg19) VCF-style: chr19-59061203-C-G.
Identifiers: ClinVar variation 3771017 (VCV003771017.13).